The following is an entry in ClinVar:

ClinVar aggregate classification (germline): Pathogenic (1 of 4 stars; one submission).

Conditions:
Townes syndrome (TBS). Also called: Townes-Brocks syndrome. Identifiers: Orphanet 857, MedGen C0265246, MeSH C536974, MONDO:0007142.

Submission:

Labcorp Genetics (formerly Invitae), Labcorp
Classification: Pathogenic for Townes syndrome. Last evaluated: 2017-12-19. Review status: criteria provided, single submitter. Criteria: Invitae Variant Classification Sherloc (09022015). Collection method: clinical testing. Allele origin: germline.
Comment: For these reasons, this variant has been classified as Pathogenic. This variant is expected to result in a truncated protein lacking all double zinc finger (DZF) domains which are critical for SALL1 protein function (PMID: 16088922, 9973281) This variant has not been reported in the literature in individuals with SALL1-related disease. This variant is not present in population databases (ExAC no frequency). This sequence change results in a premature translational stop signal in the SALL1 gene (p.Gln320*). While this is not anticipated to result in nonsense mediated decay, it is expected to delete the last 1005 amino acids (~76%) of the SALL1 protein.

Literature cited by the submitters: PubMed 16088922; PubMed 9973281.

NM_002968.3(SALL1):c.958C>T (p.Gln320Ter)

Gene: SALL1 (spalt like transcription factor 1; minus strand). Cytogenetic location: 16q12.1.
Variant type: single nucleotide variant.
Coding change: c.958C>T on transcript NM_002968.3 (MANE Select); coding-DNA position 958, C replaced by T.
Protein change: p.Gln320Ter; replaces glutamine 320 with a stop codon.
Molecular consequence: nonsense.
Genome position (GRCh38, 1-based): chr16:51,141,264, G>A on the plus strand (C>T on the coding strand, the complement: SALL1 is on the minus strand). VCF-style: chr16-51141264-G-A. GRCh37 (hg19) VCF-style: chr16-51175175-G-A.
Other names: c.667C>T, p.Gln223Ter (NM_001127892.2); short protein forms Q320*, Q223*.
Identifiers: ClinVar variation 528880 (VCV000528880.9), dbSNP rs1555475319, ClinGen allele CA395890248.
Genomic context (GRCh38, chr16:51,141,264, plus strand): 5'-TGGGAGAAGAGCCGCTGTTGGATGGAATGATGGTGTTGCCAGAACTGCTCTGAGGTAGCT[G>A]GATTGGGGGTAGCTGTTTCACACCACTAATGCTGGCAGATTGGCTGGCGAGGCTCTGTGC-3'